The following is an entry in ClinVar:

NM_007194.4(CHEK2):c.1182_1187del (p.Glu394_Leu396delinsAsp)

Gene: CHEK2 (checkpoint kinase 2; minus strand). Cytogenetic location: 22q12.1.
Variant type: Deletion.
Coding change: c.1182_1187del on transcript NM_007194.4 (MANE Select); coding-DNA positions 1182 to 1187, 6 bases deleted (AGTTCT; older notation c.1182_1187delAGTTCT).
Protein change: p.Glu394_Leu396delinsAsp.
Molecular consequence: inframe indel.
Genome position (GRCh38, 1-based): chr22:28,695,782-28,695,787, AGAACT deleted on the plus strand (AGTTCT on the coding strand, the reverse complement: CHEK2 is on the minus strand). VCF-style (leftmost placement, unchanged base first): chr22-28695781-AAGAACT-A. GRCh37 (hg19) VCF-style: chr22-29091769-AAGAACT-A.
Other names: c.1311_1316delAGTTCT, p.Glu437_Leu439delinsAsp (NM_001005735.3); c.519_524delAGTTCT, p.Glu173_Leu175delinsAsp (NM_001257387.3); c.981_986delAGTTCT, p.Glu327_Leu329delinsAsp (NM_001349956.3); c.1095_1100delAGTTCT, p.Glu365_Leu367delinsAsp (NM_145862.3).
Identifiers: ClinVar variation 957497 (VCV000957497.10), dbSNP rs2052557170, ClinGen allele CA1139667020.
Genomic context (GRCh38, chr22:28,695,781, plus strand): 5'-AATAACTCCTAAACTCCAGCAGTCCACAGCACGGTTATACCCAGCAGTCCCAACAGAAAC[AAGAACT>A]TCAGGCGCCAAGTAGGTGGGGGTTCCACATAAGGTTCTCATGAGAGAGGTCTCTCCCAAA-3'

ClinVar aggregate classification (germline): Uncertain significance (1 of 4 stars; one submission).

Conditions:
Familial cancer of breast. Also called: BREAST CANCER, FAMILIAL; Hereditary breast cancer; hereditary breast carcinoma. Identifiers: Orphanet 227535, MedGen C0346153, MONDO:0016419, OMIM 114480. Disease mechanism: loss of function.

Submission:

Labcorp Genetics (formerly Invitae), Labcorp
Classification: Uncertain significance for Familial cancer of breast. Last evaluated: 2019-11-04. Review status: criteria provided, single submitter. Criteria: Invitae Variant Classification Sherloc (09022015). Collection method: clinical testing. Allele origin: germline.
Comment: In summary, the available evidence is currently insufficient to determine the role of this variant in disease. Therefore, it has been classified as a Variant of Uncertain Significance. Experimental studies and prediction algorithms are not available or were not evaluated, and the functional significance of this variant is currently unknown. This variant has not been reported in the literature in individuals with CHEK2-related conditions. This variant is not present in population databases (ExAC no frequency). This variant, c.1182_1187del, is a complex sequence change that results in the deletion of 3 and insertion of 1 amino acid(s) in the CHEK2 protein (p.Glu394_Leu396delinsAsp).